The following is an entry in ClinVar:

ClinVar aggregate classification (germline): Conflicting classifications of pathogenicity. Review status: criteria provided, conflicting classifications (1 of 4 stars). 2 submissions from 2 submitters: Uncertain significance (1); Likely benign (1). Last evaluated 2023-03-23.

Conditions:
Hereditary cancer-predisposing syndrome. Also called: Neoplastic Syndromes, Hereditary; Tumor predisposition; Hereditary Cancer Syndrome; Hereditary neoplastic syndrome. Identifiers: Orphanet 140162, MedGen C0027672, MeSH D009386, MONDO:0015356.

Submissions (2):

University of Washington Department of Laboratory Medicine, University of Washington
Classification: Likely benign for Hereditary cancer-predisposing syndrome. Last evaluated: 2023-03-23. Review status: criteria provided, single submitter. Criteria: Dines et al. (Genet Med. 2020). Collection method: curation. Allele origin: germline.
Comment: Missense variant in a coldspot region where missense variants are very unlikely to be pathogenic (PMID:31911673).

BRCA2 exon 10 coldspot. Reclassification based on statistical prior probability.

Ambry Genetics
Classification: Uncertain significance for Hereditary cancer-predisposing syndrome. Last evaluated: 2018-01-03. Review status: criteria provided, single submitter. Criteria: Ambry Variant Classification Scheme 2023. Collection method: clinical testing. Allele origin: germline.
Comment: The p.N623S variant (also known as c.1868A>G), located in coding exon 9 of the BRCA2 gene, results from an A to G substitution at nucleotide position 1868. The asparagine at codon 623 is replaced by serine, an amino acid with highly similar properties. This amino acid position is poorly conserved in available vertebrate species. In addition, this alteration is predicted to be tolerated by in silico analysis. Since supporting evidence is limited at this time, the clinical significance of this alteration remains unclear.

NM_000059.4(BRCA2):c.1868A>G (p.Asn623Ser)

Gene: BRCA2 (BRCA2 DNA repair associated; plus strand). Cytogenetic location: 13q13.1.
Variant type: single nucleotide variant.
Coding change: c.1868A>G on transcript NM_000059.4 (MANE Select); coding-DNA position 1868, A replaced by G.
Protein change: p.Asn623Ser; replaces asparagine 623 with serine.
Molecular consequence: missense variant.
Genome position (GRCh38, 1-based): chr13:32,333,346, A>G. VCF-style: chr13-32333346-A-G. GRCh37 (hg19) VCF-style: chr13-32907483-A-G.
Other names: c.1868A>G, p.Asn623Ser (NM_001406719.1, NM_001406720.1, NM_001406721.1); short protein forms N623S.
Identifiers: ClinVar variation 1781602 (VCV001781602.4), dbSNP rs2137475856, ClinGen allele CA387766534.